The following is an entry in ClinVar:

NM_001110556.2(FLNA):c.2191_2192insGT (p.Tyr731fs)

Gene: FLNA (filamin A; minus strand). Cytogenetic location: Xq28.
Variant type: Insertion.
Coding change: c.2191_2192insGT on transcript NM_001110556.2 (MANE Select); coding-DNA positions 2191 to 2192, GT inserted.
Protein change: p.Tyr731fs; shifts the reading frame from tyrosine 731.
Molecular consequence: frameshift variant.
Genome position: GRCh38 VCF-style: chrX-154364110-T-TAC. GRCh37 (hg19) VCF-style: chrX-153592478-T-TAC.
Other names: c.2191_2192insGT, p.Tyr731fs (NM_001456.4); short protein forms Y731fs.
Identifiers: ClinVar variation 1407335 (VCV001407335.6), dbSNP rs2148115776, ClinGen allele CA2573159406.

ClinVar aggregate classification (germline): Pathogenic (1 of 4 stars; one submission).

Conditions:
Heterotopia, periventricular, X-linked dominant (PVNH1). Also called: PERIVENTRICULAR NODULAR HETEROTOPIA 4; HETEROTOPIA, PERIVENTRICULAR, 1; PERIVENTRICULAR NODULAR HETEROTOPIA 1; X-linked periventricular heterotopia. Identifiers: Orphanet 2149, Orphanet 82004, MedGen C1848213, MONDO:0010233, OMIM 300049.
Melnick-Needles syndrome (MNS). Also called: MELNICK-NEEDLES OSTEODYSPLASTY; OSTEODYSPLASTY OF MELNICK AND NEEDLES; Melnick-Needles Syndrome (FLNA-MNS). Identifiers: Orphanet 2484, MedGen C0025237, MONDO:0010650, OMIM 309350.
Frontometaphyseal dysplasia (FMD1). Identifiers: Orphanet 1826, MedGen C0265293, MONDO:0015942.
Oto-palato-digital syndrome, type II (OPD2). Also called: FACIOPALATOOSSEOUS SYNDROME; OPD II SYNDROME; Otopalatodigital Syndrome, Type II; Otopalatodigital Syndrome Type 2 (FLNA-OPD2). Identifiers: Orphanet 669, Orphanet 90652, MedGen C1844696, MONDO:0010571, OMIM 304120.

Submission:

Labcorp Genetics (formerly Invitae), Labcorp
Classification: Pathogenic for Oto-palato-digital syndrome, type II; Heterotopia, periventricular, X-linked dominant; Frontometaphyseal dysplasia; Melnick-Needles syndrome. Last evaluated: 2021-01-07. Review status: criteria provided, single submitter. Criteria: Invitae Variant Classification Sherloc (09022015). Collection method: clinical testing. Allele origin: germline.
Comment: This variant has not been reported in the literature in individuals with FLNA-related conditions. For these reasons, this variant has been classified as Pathogenic. This variant is not present in population databases (ExAC no frequency). This sequence change creates a premature translational stop signal (p.Tyr731Cysfs*12) in the FLNA gene. It is expected to result in an absent or disrupted protein product. Loss-of-function variants in FLNA are known to be pathogenic (PMID: 16684786, 20730588, 26471271).

Literature cited by the submitters: PubMed 16684786; PubMed 20730588; PubMed 26471271.